The following is an entry in ClinVar:

NM_001080467.3(MYO5B):c.2310G>C (p.Met770Ile)

Gene: MYO5B (myosin VB; minus strand). Cytogenetic location: 18q21.1.
Variant type: single nucleotide variant.
Coding change: c.2310G>C on transcript NM_001080467.3 (MANE Select); coding-DNA position 2310, G replaced by C.
Protein change: p.Met770Ile; replaces methionine 770 with isoleucine.
Molecular consequence: missense variant.
Genome position (GRCh38, 1-based): chr18:49,906,523, C>G on the plus strand (G>C on the coding strand, the complement: MYO5B is on the minus strand). VCF-style: chr18-49906523-C-G. GRCh37 (hg19) VCF-style: chr18-47432893-C-G.
Other names: short protein forms M770I.
Identifiers: ClinVar variation 3401583 (VCV003401583.2).
Genomic context (GRCh38, chr18:49,906,523, plus strand): 5'-AGCCCCCTTCAGCCTGTGATATTTCACCTTCTGCAGCCATCCCCGGACAGTTTTCTGGAT[C>G]ATGATGGTGGCTGTCCGGAACTTGTCAGCCCGCAGCTTCTCCAGGTAGGCCACCTGGCCT-3'
Protein context (NP_001073936.1, residues 760-780): RADKFRTATI[Met770Ile]IQKTVRGWLQ

ClinVar aggregate classification (germline): Uncertain significance. Review status: criteria provided, multiple submitters, no conflicts (2 of 4 stars). 2 submissions from 2 submitters: Uncertain significance (2). Last evaluated 2025-10-03.

Conditions:
Inborn genetic diseases. Identifiers: MedGen C0950123, MeSH D030342.

gnomAD v4.1: 2 of 1,614,218 alleles (0.00012%); highest among the groups gnomAD compares: Non-Finnish European, 0.00017%; no homozygotes.

Submissions (2):

Labcorp Genetics (formerly Invitae), Labcorp
Classification: Uncertain significance. Last evaluated: 2025-10-03. Review status: criteria provided, single submitter. Criteria: Invitae Variant Classification Sherloc (09022015). Collection method: clinical testing. Allele origin: germline.
Comment: This sequence change replaces methionine, which is neutral and non-polar, with isoleucine, which is neutral and non-polar, at codon 770 of the MYO5B protein (p.Met770Ile). This variant is not present in population databases (gnomAD no frequency). This variant has not been reported in the literature in individuals affected with MYO5B-related conditions. ClinVar contains an entry for this variant (Variation ID: 3401583). Invitae Evidence Modeling of protein sequence and biophysical properties (such as structural, functional, and spatial information, amino acid conservation, physicochemical variation, residue mobility, and thermodynamic stability) indicates that this missense variant is not expected to disrupt MYO5B protein function with a negative predictive value of 80%. In summary, the available evidence is currently insufficient to determine the role of this variant in disease. Therefore, it has been classified as a Variant of Uncertain Significance.

Ambry Genetics
Classification: Uncertain significance for Inborn genetic diseases. Last evaluated: 2024-07-05. Review status: criteria provided, single submitter. Criteria: Ambry Variant Classification Scheme 2023. Collection method: clinical testing. Allele origin: germline.